The following is an entry in ClinVar:

ClinVar aggregate classification (germline): Likely pathogenic (1 of 4 stars; one submission).

Conditions:
X-linked Alport syndrome (ATS1). Also called: NEPHROPATHY AND DEAFNESS, X-LINKED; COL4A5-Related Nephropathy. Identifiers: Orphanet 63, Orphanet 88917, MedGen C4746986, MONDO:0010520, OMIM 301050.

Submission:

Centre de Génétique Humaine, Institut de Pathologie Et de Génétique
Classification: Likely pathogenic for X-linked Alport syndrome. Last evaluated: 2026-06-26. Review status: criteria provided, single submitter. Criteria: ACMG Guidelines, 2015. Collection method: clinical testing. Allele origin: maternal. Inheritance: X-linked dominant inheritance. Affected: yes. Observed: 1 variant allele, 1 hemizygote. Segregation with disease not observed.
Comment: This missense variant involves a highly conserved glycine located in a ‘Gly-X-Y’ motif in collagenous region, which is characteristic of the pathogenic variants identified in the COL4A5 gene (PM1,PP2). This variant is rare: absent in gnomAD v4.1.0 database (PM2). Another missense variant affecting the same residue described as LP: c.2137G>T, p.Gly713Ser, PMID: 41872207 (PM5). In silico analysis supports that this missense variant has a deleterious effect (PP3).

NM_033380.3(COL4A5):c.2137G>T (p.Gly713Cys)

Gene: COL4A5 (collagen type IV alpha 5 chain; plus strand). Cytogenetic location: Xq22.3.
Variant type: single nucleotide variant.
Coding change: c.2137G>T on transcript NM_033380.3 (MANE Select); coding-DNA position 2137, G replaced by T.
Protein change: p.Gly713Cys; replaces glycine 713 with cysteine.
Molecular consequence: missense variant.
Genome position (GRCh38, 1-based): chrX:108,601,980, G>T. VCF-style: chrX-108601980-G-T. GRCh37 (hg19) VCF-style: chrX-107845210-G-T.
Other names: p.(Gly713Cys); c.2137G>T, p.Gly713Cys (NM_000495.5); short protein forms G713C.
Identifiers: ClinVar variation 5041986 (VCV005041986.1).